The following is an entry in ClinVar:

ClinVar aggregate classification (germline): Uncertain significance. Review status: criteria provided, multiple submitters, no conflicts (2 of 4 stars). 2 submissions from 2 submitters: Uncertain significance (2). Last evaluated 2024-10-22.

Allele frequency attached by ClinVar (database versions not stated): ExAC 0.00002; gnomAD 0.00003; TOPMed 0.00003; gnomAD exomes 0.00004.
gnomAD v4.1: 57 of 1,608,516 alleles (0.0035%); highest among the groups gnomAD compares: Non-Finnish European, 0.0046%; no homozygotes.

Submissions (2):

Blueprint Genetics
Classification: Uncertain significance. Last evaluated: 2024-10-22. Review status: criteria provided, single submitter. Criteria: ACMG Guidelines, 2015. Collection method: clinical testing. Allele origin: germline.

Labcorp Genetics (formerly Invitae), Labcorp
Classification: Uncertain significance. Last evaluated: 2022-08-19. Review status: criteria provided, single submitter. Criteria: Invitae Variant Classification Sherloc (09022015). Collection method: clinical testing. Allele origin: germline.
Comment: This sequence change replaces isoleucine, which is neutral and non-polar, with methionine, which is neutral and non-polar, at codon 424 of the RTTN protein (p.Ile424Met). This variant is present in population databases (rs767247880, gnomAD 0.006%). This variant has not been reported in the literature in individuals affected with RTTN-related conditions. Algorithms developed to predict the effect of missense changes on protein structure and function are either unavailable or do not agree on the potential impact of this missense change (SIFT: "Deleterious"; PolyPhen-2: "Possibly Damaging"; Align-GVGD: "Class C0"). In summary, the available evidence is currently insufficient to determine the role of this variant in disease. Therefore, it has been classified as a Variant of Uncertain Significance.

NM_173630.4(RTTN):c.1272C>G (p.Ile424Met)

Gene: RTTN (rotatin; minus strand). Cytogenetic location: 18q22.2.
Variant type: single nucleotide variant.
Coding change: c.1272C>G on transcript NM_173630.4 (MANE Select); coding-DNA position 1272, C replaced by G.
Protein change: p.Ile424Met; replaces isoleucine 424 with methionine.
Molecular consequence: missense variant. On other transcripts: 5 prime UTR variant (1).
Genome position (GRCh38, 1-based): chr18:70,188,141, G>C on the plus strand (C>G on the coding strand, the complement: RTTN is on the minus strand). VCF-style: chr18-70188141-G-C. GRCh37 (hg19) VCF-style: chr18-67855377-G-C.
Other names: c.-1282C>G (NM_001318520.2); short protein forms I424M.
Identifiers: ClinVar variation 2081203 (VCV002081203.2), dbSNP rs767247880, ClinGen allele CA8996230.